The following is an entry in ClinVar:

ClinVar aggregate classification (germline): Uncertain significance (1 of 4 stars; one submission).

Conditions:
Inborn genetic diseases. Identifiers: MedGen C0950123, MeSH D030342.

Allele frequency attached by ClinVar (database versions not stated): gnomAD exomes below 0.00001.
gnomAD v4.1: 1 of 1,613,914 alleles (0.000062%); highest among the groups gnomAD compares: Non-Finnish European, 0.000085%; no homozygotes.

Submission:

Ambry Genetics
Classification: Uncertain significance for Inborn genetic diseases. Last evaluated: 2022-11-23. Review status: criteria provided, single submitter. Criteria: Ambry Variant Classification Scheme 2023. Collection method: clinical testing. Allele origin: germline.
Comment: The p.C748G variant (also known as c.2242T>G), located in coding exon 14 of the EPAS1 gene, results from a T to G substitution at nucleotide position 2242. The cysteine at codon 748 is replaced by glycine, an amino acid with highly dissimilar properties. This amino acid position is conserved. In addition, the in silico prediction for this alteration is inconclusive. Since supporting evidence is limited at this time, the clinical significance of this alteration remains unclear.

NM_001430.5(EPAS1):c.2242T>G (p.Cys748Gly)

Gene: EPAS1 (endothelial PAS domain protein 1; plus strand). Cytogenetic location: 2p21.
Variant type: single nucleotide variant.
Coding change: c.2242T>G on transcript NM_001430.5 (MANE Select); coding-DNA position 2242, T replaced by G.
Protein change: p.Cys748Gly; replaces cysteine 748 with glycine.
Molecular consequence: missense variant.
Genome position (GRCh38, 1-based): chr2:46,382,044, T>G. VCF-style: chr2-46382044-T-G. GRCh37 (hg19) VCF-style: chr2-46609183-T-G.
Other names: short protein forms C748G.
Identifiers: ClinVar variation 2497571 (VCV002497571.2), dbSNP rs1454662879, ClinGen allele CA346705844.